The following is an entry in ClinVar:

ClinVar aggregate classification (germline): Uncertain significance. Review status: criteria provided, multiple submitters, no conflicts (2 of 4 stars). 2 submissions from 2 submitters: Uncertain significance (2). Last evaluated 2022-10-03.

Conditions:
Brugada syndrome 5 (BRGDA5). Identifiers: Orphanet 130, Orphanet 871, MedGen C2748541, MONDO:0013015, OMIM 612838.

Allele frequency attached by ClinVar (database versions not stated): gnomAD 0.00001; TOPMed 0.00001.

Submissions (2):

Labcorp Genetics (formerly Invitae), Labcorp
Classification: Uncertain significance for Brugada syndrome 5. Last evaluated: 2022-10-03. Review status: criteria provided, single submitter. Criteria: Invitae Variant Classification Sherloc (09022015). Collection method: clinical testing. Allele origin: germline.
Comment: In summary, the available evidence is currently insufficient to determine the role of this variant in disease. Therefore, it has been classified as a Variant of Uncertain Significance. Algorithms developed to predict the effect of missense changes on protein structure and function (SIFT, PolyPhen-2, Align-GVGD) all suggest that this variant is likely to be tolerated. ClinVar contains an entry for this variant (Variation ID: 373506). This variant has not been reported in the literature in individuals affected with SCN1B-related conditions. This variant is not present in population databases (gnomAD no frequency). This sequence change replaces glycine, which is neutral and non-polar, with aspartic acid, which is acidic and polar, at codon 216 of the SCN1B protein (p.Gly216Asp).

GeneDx
Classification: Uncertain significance. Last evaluated: 2016-11-21. Review status: criteria provided, single submitter. Criteria: GeneDx Variant Classification (06012015). Collection method: clinical testing. Allele origin: germline. Affected: yes.
Comment: A variant of uncertain significance has been identified in the SCN1B gene. The G216D variant has not been published as a pathogenic variant, nor has it been reported as a benign variant to our knowledge. It was not observed in approximately 3,500 individuals of European and African American ancestry in the NHLBI Exome Sequencing Project, indicating it is not a common benign variant in these populations. The G216D variant is a non-conservative amino acid substitution, which is likely to impact secondary protein structure as these residues differ in polarity, charge, size and/or other properties. Additionally, this substitution occurs at a position that is conserved in mammals. However, in silico analysis predicts this variant likely does not alter the protein structure/function. Therefore, based on the currently available information, it is unclear whether this variant is a pathogenic variant or a rare benign variant.

NM_001037.5(SCN1B):c.448+199G>A

Gene: SCN1B (sodium voltage-gated channel beta subunit 1; plus strand). Cytogenetic location: 19q13.11.
Variant type: single nucleotide variant.
Coding change: c.448+199G>A on transcript NM_001037.5 (MANE Select); 199 bases into the intron after coding-DNA position 448, G replaced by A.
Molecular consequence: intron variant. On other transcripts: missense variant (1).
Genome position (GRCh38, 1-based): chr19:35,033,938, G>A. VCF-style: chr19-35033938-G-A. GRCh37 (hg19) VCF-style: chr19-35524842-G-A.
Other names: c.647G>A, p.Gly216Asp (NM_199037.5); c.349+199G>A (NM_001321605.2); short protein forms G216D.
Identifiers: ClinVar variation 373506 (VCV000373506.5), dbSNP rs946927516, ClinGen allele CA16043188.